The following is an entry in ClinVar:

NM_147127.5(EVC2):c.2225C>T (p.Ser742Leu)

Gene: EVC2 (EvC ciliary complex subunit 2; minus strand). Cytogenetic location: 4p16.2.
Variant type: single nucleotide variant.
Coding change: c.2225C>T on transcript NM_147127.5 (MANE Select); coding-DNA position 2225, C replaced by T.
Protein change: p.Ser742Leu; replaces serine 742 with leucine.
Molecular consequence: missense variant.
Genome position (GRCh38, 1-based): chr4:5,622,813, G>A on the plus strand (C>T on the coding strand, the complement: EVC2 is on the minus strand). VCF-style: chr4-5622813-G-A. GRCh37 (hg19) VCF-style: chr4-5624540-G-A.
Other names: c.1985C>T, p.Ser662Leu (NM_001166136.2); short protein forms S662L, S742L.
Identifiers: ClinVar variation 2385467 (VCV002385467.4), dbSNP rs764719201, ClinGen allele CA2834774.

ClinVar aggregate classification (germline): Uncertain significance. Review status: criteria provided, multiple submitters, no conflicts (2 of 4 stars). 2 submissions from 2 submitters: Uncertain significance (2). Last evaluated 2024-10-25.

Conditions:
Inborn genetic diseases. Identifiers: MedGen C0950123, MeSH D030342.
Ellis-van Creveld syndrome (EVC). Also called: EVC-Related Ellis-van Creveld Syndrome; EVC2-Related Ellis-van Creveld Syndrome; MESOECTODERMAL DYSPLASIA; Chondroectodermal dysplasia. Identifiers: Orphanet 289, MedGen C0013903, MONDO:0009162, OMIM 225500.
Curry-Hall syndrome (WAD). Also called: WEYERS ACRODENTAL DYSOSTOSIS. Identifiers: Orphanet 952, MedGen C0457013, MONDO:0008673, OMIM 193530.

Allele frequency attached by ClinVar (database versions not stated): ExAC 0.00001; gnomAD 0.00001; gnomAD exomes 0.00001; TOPMed 0.00004.
gnomAD v4.1: 19 of 1,613,884 alleles (0.0012%); highest among the groups gnomAD compares: Middle Eastern, 0.016%; no homozygotes.

Submissions (2):

Labcorp Genetics (formerly Invitae), Labcorp
Classification: Uncertain significance for Curry-Hall syndrome; Ellis-van Creveld syndrome. Last evaluated: 2024-10-25. Review status: criteria provided, single submitter. Criteria: Invitae Variant Classification Sherloc (09022015). Collection method: clinical testing. Allele origin: germline.
Comment: This sequence change replaces serine, which is neutral and polar, with leucine, which is neutral and non-polar, at codon 742 of the EVC2 protein (p.Ser742Leu). This variant is present in population databases (rs764719201, gnomAD 0.007%). This variant has not been reported in the literature in individuals affected with EVC2-related conditions. ClinVar contains an entry for this variant (Variation ID: 2385467). An algorithm developed to predict the effect of missense changes on protein structure and function outputs the following: PolyPhen-2: "Benign". The leucine amino acid residue is found in multiple mammalian species, which suggests that this missense change does not adversely affect protein function. In summary, the available evidence is currently insufficient to determine the role of this variant in disease. Therefore, it has been classified as a Variant of Uncertain Significance.

Ambry Genetics
Classification: Uncertain significance for Inborn genetic diseases. Last evaluated: 2021-07-15. Review status: criteria provided, single submitter. Criteria: Ambry Variant Classification Scheme 2023. Collection method: clinical testing. Allele origin: germline.